The following is an entry in ClinVar:

NM_007118.4(TRIO):c.4387C>G (p.Arg1463Gly)

Gene: TRIO (trio Rho guanine nucleotide exchange factor; plus strand). Cytogenetic location: 5p15.2.
Variant type: single nucleotide variant.
Coding change: c.4387C>G on transcript NM_007118.4 (MANE Select); coding-DNA position 4387, C replaced by G.
Protein change: p.Arg1463Gly; replaces arginine 1463 with glycine.
Molecular consequence: missense variant. On other transcripts: non-coding transcript variant (1).
Genome position (GRCh38, 1-based): chr5:14,397,118, C>G. VCF-style: chr5-14397118-C-G. GRCh37 (hg19) VCF-style: chr5-14397227-C-G.
Other names: short protein forms R1463G.
Identifiers: ClinVar variation 2503286 (VCV002503286.1), dbSNP rs748670822, ClinGen allele CA3206463.
Genomic context (GRCh38, chr5:14,397,118, plus strand): 5'-TGTGAGGAAGGAAAGGGAGAGATTAAAGATGGCCTGGAGGTGATGCTCAGCGTGCCGAAG[C>G]GAGCCAATGATGCCATGCACCTCAGCATGCTGGAAGGTAAAGGACCCTCCATACCCCAGT-3'
Protein context (NP_009049.2, residues 1453-1473): GLEVMLSVPK[Arg1463Gly]ANDAMHLSML

ClinVar aggregate classification (germline): Uncertain significance (1 of 4 stars; one submission).

Submission:

GeneDx
Classification: Uncertain significance. Last evaluated: 2023-05-18. Review status: criteria provided, single submitter. Criteria: GeneDx Variant Classification Process June 2021. Collection method: clinical testing. Allele origin: germline. Affected: yes.
Comment: Not observed at significant frequency in large population cohorts (gnomAD); In silico analysis supports that this missense variant has a deleterious effect on protein structure/function; Has not been previously published as pathogenic or benign to our knowledge